The following is an entry in ClinVar:

ClinVar aggregate classification (germline): Uncertain significance. Review status: criteria provided, multiple submitters, no conflicts (2 of 4 stars). 2 submissions from 2 submitters: Uncertain significance (2). Last evaluated 2025-06-14.

Conditions:
Dyskeratosis congenita. Identifiers: Orphanet 1775, MedGen C0265965, MONDO:0015780.

Submissions (2):

Ambry Genetics
Classification: Uncertain significance for Dyskeratosis congenita. Last evaluated: 2025-06-14. Review status: criteria provided, single submitter. Criteria: Ambry Variant Classification Scheme 2023. Collection method: clinical testing. Allele origin: germline.
Comment: The p.R15H variant (also known as c.44G>A), located in coding exon 1 of the TERT gene, results from a G to A substitution at nucleotide position 44. The arginine at codon 15 is replaced by histidine, an amino acid with highly similar properties. This amino acid position is conserved. In addition, the in silico prediction for this alteration is inconclusive. Based on the available evidence, the clinical significance of this variant remains unclear.

GeneDx
Classification: Uncertain significance. Last evaluated: 2023-04-14. Review status: criteria provided, single submitter. Criteria: GeneDx Variant Classification Process June 2021. Collection method: clinical testing. Allele origin: germline. Affected: yes.
Comment: Not observed at significant frequency in large population cohorts (gnomAD); In silico analysis supports that this missense variant does not alter protein structure/function; Has not been previously published as pathogenic or benign to our knowledge

NM_198253.3(TERT):c.44G>A (p.Arg15His)

Genes: TERT (telomerase reverse transcriptase; minus strand), LOC110806263 (TERT 5' regulatory region; plus strand). Cytogenetic location: 5p15.33.
Variant type: single nucleotide variant.
Coding change: c.44G>A on transcript NM_198253.3 (MANE Select); coding-DNA position 44, G replaced by A.
Protein change: p.Arg15His; replaces arginine 15 with histidine.
Molecular consequence: missense variant. On other transcripts: non-coding transcript variant (2).
Genome position (GRCh38, 1-based): chr5:1,294,946, C>T on the plus strand (G>A on the coding strand, the complement: TERT is on the minus strand). VCF-style: chr5-1294946-C-T. GRCh37 (hg19) VCF-style: chr5-1295061-C-T.
Other names: c.44G>A, p.Arg15His (NM_001193376.3, NM_003219.1); short protein forms R15H.
Identifiers: ClinVar variation 2662964 (VCV002662964.2), dbSNP rs2126692755, ClinGen allele CA359059820.